The following is an entry in ClinVar:

NM_001010892.3(RSPH4A):c.1917-2A>C

Gene: RSPH4A (radial spoke head component 4A; plus strand). Cytogenetic location: 6q22.1.
Variant type: single nucleotide variant.
Coding change: c.1917-2A>C on transcript NM_001010892.3 (MANE Select); the canonical splice acceptor site of the intron before coding-DNA position 1917, A replaced by C.
Molecular consequence: splice acceptor variant.
Genome position (GRCh38, 1-based): chr6:116,632,205, A>C. VCF-style: chr6-116632205-A-C. GRCh37 (hg19) VCF-style: chr6-116953368-A-C.
Other names: c.1781-2A>C (NM_001161664.2).
Identifiers: ClinVar variation 2088330 (VCV002088330.4), dbSNP rs2482814540, ClinGen allele CA365412364.
Genomic context (GRCh38, chr6:116,632,205, plus strand): 5'-GGTCAGTTTTTCTGAGAAATTATATAATGATCTTTTTTTCTTCTTCTTTTTCTTACTTAT[A>C]GAAAGTTTGAAAATTTCTACATAGGCTGGGGTCATAAGTATAGTCCAGACAATTATACAC-3'

ClinVar aggregate classification (germline): Uncertain significance (1 of 4 stars; one submission).

Conditions:
Primary ciliary dyskinesia. Also called: Ciliary dyskinesia. Identifiers: Orphanet 244, MedGen C0008780, MONDO:0016575, HP:0012265.

Submission:

Labcorp Genetics (formerly Invitae), Labcorp
Classification: Uncertain significance for Primary ciliary dyskinesia. Last evaluated: 2022-02-09. Review status: criteria provided, single submitter. Criteria: Invitae Variant Classification Sherloc (09022015). Collection method: clinical testing. Allele origin: germline.
Comment: In summary, the available evidence is currently insufficient to determine the role of this variant in disease. Therefore, it has been classified as a Variant of Uncertain Significance. Variants that disrupt the consensus splice site are a relatively common cause of aberrant splicing (PMID: 17576681, 9536098). Algorithms developed to predict the effect of sequence changes on RNA splicing suggest that this variant may disrupt the consensus splice site. This variant has not been reported in the literature in individuals affected with RSPH4A-related conditions. This variant is not present in population databases (gnomAD no frequency). This sequence change affects an acceptor splice site in intron 5 of the RSPH4A gene. While this variant is not anticipated to result in nonsense mediated decay, it likely alters RNA splicing and results in a disrupted protein product.

Literature cited by the submitters: PubMed 17576681; PubMed 9536098.